The following is an entry in ClinVar:

NM_001845.6(COL4A1):c.1561A>G (p.Ile521Val)

Gene: COL4A1 (collagen type IV alpha 1 chain; minus strand). Cytogenetic location: 13q34.
Variant type: single nucleotide variant.
Coding change: c.1561A>G on transcript NM_001845.6 (MANE Select); coding-DNA position 1561, A replaced by G.
Protein change: p.Ile521Val; replaces isoleucine 521 with valine.
Molecular consequence: missense variant.
Genome position (GRCh38, 1-based): chr13:110,187,305, T>C on the plus strand (A>G on the coding strand, the complement: COL4A1 is on the minus strand). VCF-style: chr13-110187305-T-C. GRCh37 (hg19) VCF-style: chr13-110839652-T-C.
Other names: short protein forms I521V.
Identifiers: ClinVar variation 1353972 (VCV001353972.8), dbSNP rs1386647713, ClinGen allele CA388723196.

ClinVar aggregate classification (germline): Uncertain significance (1 of 4 stars; one submission).

Allele frequency attached by ClinVar (database versions not stated): gnomAD exomes below 0.00001.
gnomAD v4.1: 1 of 1,612,668 alleles (0.000062%); highest among the groups gnomAD compares: Non-Finnish European, 0.000085%; no homozygotes.

Submission:

Labcorp Genetics (formerly Invitae), Labcorp
Classification: Uncertain significance. Last evaluated: 2025-10-06. Review status: criteria provided, single submitter. Criteria: Invitae Variant Classification Sherloc (09022015). Collection method: clinical testing. Allele origin: germline.
Comment: This sequence change replaces isoleucine, which is neutral and non-polar, with valine, which is neutral and non-polar, at codon 521 of the COL4A1 protein (p.Ile521Val). This variant is present in population databases (no rsID available, gnomAD 0.0009%). This variant has not been reported in the literature in individuals affected with COL4A1-related conditions. ClinVar contains an entry for this variant (Variation ID: 1353972). Invitae Evidence Modeling of protein sequence and biophysical properties (such as structural, functional, and spatial information, amino acid conservation, physicochemical variation, residue mobility, and thermodynamic stability) indicates that this missense variant is not expected to disrupt COL4A1 protein function with a negative predictive value of 95%. In summary, the available evidence is currently insufficient to determine the role of this variant in disease. Therefore, it has been classified as a Variant of Uncertain Significance.